The following is an entry in ClinVar:

NM_001928.4(CFD):c.219C>A (p.Asp73Glu)

Gene: CFD (complement factor D; plus strand). Cytogenetic location: 19p13.3.
Variant type: single nucleotide variant.
Coding change: c.219C>A on transcript NM_001928.4 (MANE Select); coding-DNA position 219, C replaced by A.
Protein change: p.Asp73Glu; replaces aspartic acid 73 with glutamic acid.
Molecular consequence: missense variant.
Genome position (GRCh38, 1-based): chr19:860,867, C>A. VCF-style: chr19-860867-C-A. GRCh37 (hg19) VCF-style: chr19-860867-C-A.
Other names: c.240C>A, p.Asp80Glu (NM_001317335.2); short protein forms D73E, D80E.
Identifiers: ClinVar variation 1378334 (VCV001378334.4), dbSNP rs759228752, ClinGen allele CA9026273.

ClinVar aggregate classification (germline): Uncertain significance (1 of 4 stars; one submission).

Allele frequency attached by ClinVar (database versions not stated): gnomAD exomes 0.00001 and 0.00002; ExAC 0.00002.
gnomAD v4.1: 23 of 1,573,658 alleles (0.0015%); highest among the groups gnomAD compares: Admixed American, 0.0054%; no homozygotes.

Submission:

Labcorp Genetics (formerly Invitae), Labcorp
Classification: Uncertain significance. Last evaluated: 2020-12-26. Review status: criteria provided, single submitter. Criteria: Invitae Variant Classification Sherloc (09022015). Collection method: clinical testing. Allele origin: germline.
Comment: In summary, the available evidence is currently insufficient to determine the role of this variant in disease. Therefore, it has been classified as a Variant of Uncertain Significance. Algorithms developed to predict the effect of missense changes on protein structure and function output the following: SIFT: "Not Available"; PolyPhen-2: "Benign"; Align-GVGD: "Not Available". The glutamic acid amino acid residue is found in multiple mammalian species, suggesting that this missense change does not adversely affect protein function. These predictions have not been confirmed by published functional studies and their clinical significance is uncertain. This variant has not been reported in the literature in individuals with CFD-related conditions. This variant is present in population databases (rs759228752, ExAC 0.04%). This sequence change replaces aspartic acid with glutamic acid at codon 73 of the CFD protein (p.Asp73Glu). The aspartic acid residue is moderately conserved and there is a small physicochemical difference between aspartic acid and glutamic acid.